The following is an entry in ClinVar:

NM_203486.3(DLL3):c.452G>A (p.Arg151His)

Genes: DLL3 (delta like canonical Notch ligand 3; plus strand), LOC130064417 (ATAC-STARR-seq lymphoblastoid silent region 10608; plus strand). Cytogenetic location: 19q13.2.
Variant type: single nucleotide variant.
Coding change: c.452G>A on transcript NM_203486.3 (MANE Select); coding-DNA position 452, G replaced by A.
Protein change: p.Arg151His; replaces arginine 151 with histidine.
Molecular consequence: missense variant.
Genome position (GRCh38, 1-based): chr19:39,502,857, G>A. VCF-style: chr19-39502857-G-A. GRCh37 (hg19) VCF-style: chr19-39993497-G-A.
Other names: c.452G>A, p.Arg151His (NM_016941.4); short protein forms R151H.
Identifiers: ClinVar variation 329231 (VCV000329231.7), dbSNP rs768310008, ClinGen allele CA9432203.

ClinVar aggregate classification (germline): Uncertain significance. Review status: criteria provided, multiple submitters, no conflicts (2 of 4 stars). 4 submissions from 3 submitters: Uncertain significance (4). Last evaluated 2022-06-01.

Conditions:
Spondylocostal dysostosis 1, autosomal recessive (SCDO1). Also called: DLL3-Related Spondylocostal Dysostosis, Autosomal Recessive. Identifiers: Orphanet 2311, MedGen CN032975, MONDO:0020692, OMIM 277300.
Syndactyly. Also called: Webbed fingers or toes. Identifiers: MedGen C0039075, MONDO:0021002, HP:0001159.

Allele frequency attached by ClinVar (database versions not stated): TOPMed 0.00001; gnomAD exomes 0.00015; ExAC 0.00058.

Submissions (4):

Labcorp Genetics (formerly Invitae), Labcorp
Classification: Uncertain significance. Last evaluated: 2022-06-01. Review status: criteria provided, single submitter. Criteria: Invitae Variant Classification Sherloc (09022015). Collection method: clinical testing. Allele origin: germline.
Comment: This sequence change replaces arginine, which is basic and polar, with histidine, which is basic and polar, at codon 151 of the DLL3 protein (p.Arg151His). This variant is present in population databases (rs768310008, gnomAD 0.04%). This variant has not been reported in the literature in individuals affected with DLL3-related conditions. ClinVar contains an entry for this variant (Variation ID: 329231). Algorithms developed to predict the effect of missense changes on protein structure and function are either unavailable or do not agree on the potential impact of this missense change (SIFT: "Tolerated"; PolyPhen-2: "Possibly Damaging"; Align-GVGD: "Class C0"). In summary, the available evidence is currently insufficient to determine the role of this variant in disease. Therefore, it has been classified as a Variant of Uncertain Significance.

Illumina Laboratory Services, Illumina
Classification: Uncertain significance for Spondylocostal dysostosis 1, autosomal recessive. Last evaluated: 2018-01-12. Review status: criteria provided, single submitter. Criteria: ICSL Variant Classification Criteria 13 December 2019. Collection method: clinical testing. Allele origin: germline.

Illumina Laboratory Services, Illumina
Classification: Uncertain significance for Non-syndromic syndactyly. Last evaluated: 2018-01-12. Review status: criteria provided, single submitter. Criteria: ICSL Variant Classification Criteria 13 December 2019. Collection method: clinical testing. Allele origin: germline.

Breakthrough Genomics
Classification: Uncertain significance. Review status: criteria provided, single submitter. Criteria: ACMG Guidelines, 2015. Collection method: not provided. Allele origin: germline. Inheritance: Autosomal dominant inheritance. Affected: yes.